The following is an entry in ClinVar:

NM_001203.3(BMPR1B):c.*1113G>A

Gene: BMPR1B (bone morphogenetic protein receptor type 1B; plus strand). Cytogenetic location: 4q22.3.
Variant type: single nucleotide variant.
Coding change: c.*1113G>A on transcript NM_001203.3 (MANE Select); 1113 bases downstream of the stop codon, G replaced by A.
Molecular consequence: 3 prime UTR variant.
Genome position (GRCh38, 1-based): chr4:95,155,786, G>A. VCF-style: chr4-95155786-G-A. GRCh37 (hg19) VCF-style: chr4-96076937-G-A.
Other names: c.*1113G>A (NM_001256792.2, NM_001256793.2, NM_001256794.1).
Identifiers: ClinVar variation 350149 (VCV000350149.5), dbSNP rs139279847, ClinGen allele CA10622012.
Genomic context (GRCh38, chr4:95,155,786, plus strand): 5'-CAAAGAAAAAAGTGTGCATACCTTATTTTGTACAGATAAAGATGATGTCTTTTTGTTATT[G>A]TCTGTCTGTTTTGTATGTGTCTGAGATAAGGGATAGAGAGGAAACATCCGTCAGGCTAAT-3'

ClinVar aggregate classification (germline): Benign (1 of 4 stars; one submission).

Conditions:
Brachydactyly. Also called: Brachydactyly syndrome; Brachydactyly (disease). Identifiers: MedGen C0221357, MONDO:0021004, HP:0001156.

Allele frequency attached by ClinVar (database versions not stated): gnomAD 0.00027 and 0.00041; TOPMed 0.00047; 1000 Genomes Project 0.00200.

Submission:

Illumina Laboratory Services, Illumina
Classification: Benign for Brachydactyly. Last evaluated: 2018-01-12. Review status: criteria provided, single submitter. Criteria: ICSL Variant Classification Criteria 13 December 2019. Collection method: clinical testing. Allele origin: germline.
Comment: This variant was observed in the ICSL laboratory as part of a predisposition screen in an ostensibly healthy population. It had not been previously curated by ICSL or reported in the Human Gene Mutation Database (HGMD: prior to June 1st, 2018), and was therefore a candidate for classification through an automated scoring system. Utilizing variant allele frequency, disease prevalence and penetrance estimates, and inheritance mode, an automated score was calculated to assess if this variant is too frequent to cause the disease. Based on the score and internal cut-off values, a variant classified as benign is not then subjected to further curation. The score for this variant resulted in a classification of benign for this disease.